The following is an entry in ClinVar:

NM_000038.6(APC):c.2912dup (p.Asp971fs)

Gene: APC (APC regulator of Wnt signaling pathway; plus strand). Cytogenetic location: 5q22.2.
Variant type: Duplication.
Coding change: c.2912dup on transcript NM_000038.6 (MANE Select); coding-DNA position 2912, one base duplicated (A; older notation c.2912dupA).
Protein change: p.Asp971fs; shifts the reading frame from aspartic acid 971.
Molecular consequence: frameshift variant.
Genome position (GRCh38, 1-based): chr5:112,838,506, A duplicated. VCF-style (leftmost placement, unchanged base first): chr5-112838505-G-GA. GRCh37 (hg19) VCF-style: chr5-112174202-G-GA.
Other names: c.2912dup, p.Asp971fs (NM_001127510.3, NM_001354895.2); c.2858dup, p.Asp953fs (NM_001127511.3); c.2966dup, p.Asp989fs (NM_001354896.2); c.2942dup, p.Asp981fs (NM_001354897.2); c.2837dup, p.Asp946fs (NM_001354898.2); c.2828dup, p.Asp943fs (NM_001354899.2); c.2789dup, p.Asp930fs (NM_001354900.2); c.2735dup, p.Asp912fs (NM_001354901.2); and 16 more; short protein forms D845fs, D870fs, D946fs, D953fs, D981fs, D880fs, D912fs, D989fs.
Identifiers: ClinVar variation 2064521 (VCV002064521.6), dbSNP rs2533458737, ClinGen allele CA2580072816.

ClinVar aggregate classification (germline): Pathogenic. Review status: criteria provided, multiple submitters, no conflicts (2 of 4 stars). 2 submissions from 2 submitters: Pathogenic (2). Last evaluated 2023-08-05.

Conditions:
Familial adenomatous polyposis 1 (FAP1). Also called: POLYPOSIS, ADENOMATOUS INTESTINAL; FAMILIAL ADENOMATOUS POLYPOSIS 1, ATTENUATED. Identifiers: MedGen C2713442, MONDO:0021056, OMIM 175100. Disease mechanism: loss of function.

Submissions (2):

Labcorp Genetics (formerly Invitae), Labcorp
Classification: Pathogenic for Familial adenomatous polyposis 1. Last evaluated: 2023-08-05. Review status: criteria provided, single submitter. Criteria: Invitae Variant Classification Sherloc (09022015). Collection method: clinical testing. Allele origin: germline.
Comment: For these reasons, this variant has been classified as Pathogenic. A different truncation (p.Tyr2645Lysfs*14) that lies downstream of this variant has been determined to be pathogenic (PMID: 9824584, 1316610, 27081525, 8381579, 22135120, Invitae). This suggests that deletion of this region of the APC protein is causative of disease. This variant is expected to disrupt the EB1 and HDLG binding sites, which mediate interactions with the cytoskeleton (PMID: 15311282, 17293347). While functional studies have not been performed to directly test the effect on APC protein function, this suggests that disruption of the C-terminal portion of the protein is functionally important. ClinVar contains an entry for this variant (Variation ID: 2064521). This variant has not been reported in the literature in individuals affected with APC-related conditions. This variant is not present in population databases (gnomAD no frequency). This sequence change creates a premature translational stop signal (p.Asp971Glufs*5) in the APC gene. While this is not anticipated to result in nonsense mediated decay, it is expected to disrupt the last 1873 amino acid(s) of the APC protein.

Myriad Genetics, Inc.
Classification: Pathogenic for Familial adenomatous polyposis 1. Last evaluated: 2023-05-05. Review status: criteria provided, single submitter. Criteria: Myriad Autosomal Dominant, Autosomal Recessive and X-Linked Classification Criteria (2023). Collection method: clinical testing. Allele origin: unknown.
Comment: This variant is considered pathogenic. This variant creates a frameshift predicted to result in premature protein truncation.

Literature cited by the submitters: PubMed 9824584 (cited by Labcorp Genetics (formerly Invitae), Labcorp); PubMed 1316610 (cited by Labcorp Genetics (formerly Invitae), Labcorp); PubMed 27081525 (cited by Labcorp Genetics (formerly Invitae), Labcorp); PubMed 8381579 (cited by Labcorp Genetics (formerly Invitae), Labcorp); PubMed 22135120 (cited by Labcorp Genetics (formerly Invitae), Labcorp); PubMed 15311282 (cited by Labcorp Genetics (formerly Invitae), Labcorp); PubMed 17293347 (cited by Labcorp Genetics (formerly Invitae), Labcorp).